The following is an entry in ClinVar:

ClinVar aggregate classification (germline): Conflicting classifications of pathogenicity. Review status: criteria provided, conflicting classifications (1 of 4 stars). 5 submissions from 5 submitters: Uncertain significance (1); Likely benign (3). 1 of the submissions does not count toward it. Last evaluated 2026-01-25.

Conditions:
Nephronophthisis. Also called: Juvenile Nephronophthisis. Identifiers: Orphanet 655, MedGen C0687120, MONDO:0019005, HP:0000090.
INVS-related disorder. Also called: INVS-related condition.

Allele frequency attached by ClinVar (database versions not stated): gnomAD exomes 0.00014 and 0.00005; 1000 Genomes Project 0.00040; ESP Exome Variant Server 0.00046; 1000 Genomes Project 30x 0.00047; gnomAD 0.00052 and 0.00059; TOPMed 0.00068; ExAC 0.00014.
gnomAD v4.1: 169 of 1,614,070 alleles (0.01%); highest among the groups gnomAD compares: African/African-American, 0.19%; no homozygotes.

Submissions (5):

Labcorp Genetics (formerly Invitae), Labcorp
Classification: Likely benign for Nephronophthisis. Last evaluated: 2026-01-25. Review status: criteria provided, single submitter. Criteria: Invitae Variant Classification Sherloc (09022015). Collection method: clinical testing. Allele origin: germline.

Mayo Clinic Laboratories, Mayo Clinic
Classification: Likely benign. Last evaluated: 2025-02-14. Review status: criteria provided, single submitter. Criteria: ACMG Guidelines, 2015. Collection method: clinical testing. Allele origin: germline. Observed: 1 variant allele.
Comment: BS1, BP4, BP7

Blueprint Genetics
Classification: Likely benign. Last evaluated: 2024-09-23. Review status: criteria provided, single submitter. Criteria: ACMG Guidelines, 2015. Collection method: clinical testing. Allele origin: germline.

Eurofins Ntd Llc (ga)
Classification: Uncertain significance. Last evaluated: 2018-05-24. Review status: criteria provided, single submitter. Criteria: EGL ClinVar v180209 classification definitions. Collection method: clinical testing. Allele origin: germline. Observed: 9 variant alleles, 9 heterozygotes.

PreventionGenetics, part of Exact Sciences
Classification: Likely benign for INVS-related condition. Last evaluated: 2020-02-18. Review status: no assertion criteria provided. Collection method: clinical testing. Allele origin: germline. Not counted in ClinVar's aggregate classification.
Comment: This variant is classified as likely benign based on ACMG/AMP sequence variant interpretation guidelines (Richards et al. 2015 PMID: 25741868, with internal and published modifications).

NM_014425.5(INVS):c.2313T>C (p.Asp771=)

Gene: INVS (inversin; plus strand). Cytogenetic location: 9q31.1.
Variant type: single nucleotide variant.
Coding change: c.2313T>C on transcript NM_014425.5 (MANE Select); coding-DNA position 2313, T replaced by C.
Protein change: p.Asp771=; no amino-acid change (aspartic acid 771 retained).
Molecular consequence: synonymous variant. On other transcripts: non-coding transcript variant (1).
Genome position (GRCh38, 1-based): chr9:100,292,570, T>C. VCF-style: chr9-100292570-T-C. GRCh37 (hg19) VCF-style: chr9-103054852-T-C.
Other names: p.Asp771=; c.2025T>C, p.Asp675= (NM_001318381.2); c.1335T>C, p.Asp445= (NM_001318382.2); c.2313T>C (NM_014425.4).
Identifiers: ClinVar variation 496839 (VCV000496839.19), dbSNP rs147112151, ClinGen allele CA5158596.
Genomic context (GRCh38, chr9:100,292,570, plus strand): 5'-TGGGCCTGATGAGAAAGGAGAGGACTCCAGGCGGGCAGCTGCAAGCCTTCCACCGCACGA[T>C]AGCCACTGGAAGCCCAGCAGGCGGCATGACACAGAACCCAAGGCCAAATGTGCCCCCCAG-3'
Protein context (NP_055240.2, residues 761-781): RRAAASLPPH[Asp771=]SHWKPSRRHD